The following is an entry in ClinVar:

ClinVar aggregate classification (germline): Uncertain significance. Review status: criteria provided, multiple submitters, no conflicts (2 of 4 stars). 2 submissions from 2 submitters: Uncertain significance (2). Last evaluated 2022-06-24.

Conditions:
Hereditary cancer-predisposing syndrome. Also called: Neoplastic Syndromes, Hereditary; Tumor predisposition; Hereditary Cancer Syndrome; Hereditary neoplastic syndrome. Identifiers: Orphanet 140162, MedGen C0027672, MeSH D009386, MONDO:0015356.
Hereditary nonpolyposis colorectal neoplasms. Identifiers: MedGen C0009405, MeSH D003123.

Submissions (2):

Ambry Genetics
Classification: Uncertain significance for Hereditary cancer-predisposing syndrome. Last evaluated: 2022-06-24. Review status: criteria provided, single submitter. Criteria: Ambry Variant Classification Scheme 2023. Collection method: clinical testing. Allele origin: germline.
Comment: The p.E1187V variant (also known as c.3560A>T), located in coding exon 7 of the MSH6 gene, results from an A to T substitution at nucleotide position 3560. The glutamic acid at codon 1187 is replaced by valine, an amino acid with dissimilar properties. This amino acid position is highly conserved in available vertebrate species. In addition, this alteration is predicted to be deleterious by in silico analysis. Since supporting evidence is limited at this time, the clinical significance of this alteration remains unclear.

Labcorp Genetics (formerly Invitae), Labcorp
Classification: Uncertain significance for Hereditary nonpolyposis colorectal neoplasms. Last evaluated: 2018-11-02. Review status: criteria provided, single submitter. Criteria: Invitae Variant Classification Sherloc (09022015). Collection method: clinical testing. Allele origin: germline.
Comment: This variant has not been reported in the literature in individuals with MSH6-related disease. In summary, the available evidence is currently insufficient to determine the role of this variant in disease. Therefore, it has been classified as a Variant of Uncertain Significance. Algorithms developed to predict the effect of sequence changes on RNA splicing suggest that this variant may create or strengthen a splice site, but this prediction has not been confirmed by published transcriptional studies. Algorithms developed to predict the effect of missense changes on protein structure and function (SIFT, PolyPhen-2, Align-GVGD) all suggest that this variant is likely to be disruptive, but these predictions have not been confirmed by published functional studies and their clinical significance is uncertain. This variant is not present in population databases (ExAC no frequency). This sequence change replaces glutamic acid with valine at codon 1187 of the MSH6 protein (p.Glu1187Val). The glutamic acid residue is highly conserved and there is a moderate physicochemical difference between glutamic acid and valine.

NM_000179.3(MSH6):c.3560A>T (p.Glu1187Val)

Gene: MSH6 (mutS homolog 6; plus strand). Cytogenetic location: 2p16.3.
Variant type: single nucleotide variant.
Coding change: c.3560A>T on transcript NM_000179.3 (MANE Select); coding-DNA position 3560, A replaced by T.
Protein change: p.Glu1187Val; replaces glutamic acid 1187 with valine.
Molecular consequence: missense variant.
Genome position (GRCh38, 1-based): chr2:47,805,621, A>T. VCF-style: chr2-47805621-A-T. GRCh37 (hg19) VCF-style: chr2-48032760-A-T.
Other names: c.3170A>T, p.Glu1057Val (NM_001281492.2); c.2654A>T, p.Glu885Val (NM_001281493.2, NM_001281494.2); short protein forms E1057V, E885V, E1187V.
Identifiers: ClinVar variation 648876 (VCV000648876.11), dbSNP rs150632241, ClinGen allele CA346760418.